The following is an entry in ClinVar:

NM_001042702.5(PJVK):c.794G>A (p.Arg265His)

Gene: PJVK (pejvakin; plus strand). Cytogenetic location: 2q31.2.
Variant type: single nucleotide variant.
Coding change: c.794G>A on transcript NM_001042702.5 (MANE Select); coding-DNA position 794, G replaced by A.
Protein change: p.Arg265His; replaces arginine 265 with histidine.
Molecular consequence: missense variant.
Genome position (GRCh38, 1-based): chr2:178,461,009, G>A. VCF-style: chr2-178461009-G-A. GRCh37 (hg19) VCF-style: chr2-179325736-G-A.
Other names: p.Arg265His; c.794G>A (NM_001042702.4, NM_001042702.3); c.803G>A, p.Arg268His (NM_001353775.2); c.800G>A, p.Arg267His (NM_001353776.2); c.317G>A, p.Arg106His (NM_001353777.1, NM_001353778.2); c.794G>A, p.Arg265His (NM_001369912.1); short protein forms R265H, R106H, R268H, R267H.
Identifiers: ClinVar variation 288934 (VCV000288934.13), dbSNP rs199841343, ClinGen allele CA1984303.
Genomic context (GRCh38, chr2:178,461,009, plus strand): 5'-TAACACATTTCTTTTCTGTTTTTGTCCTTTTAGATAGAAGAGTGATGGATGTCATTTCTC[G>A]TTCACAGCTTTACTTGGATGATCTTTTTTCTGACTACTATGACAAACCTCTCAGCATGAC-3'
Protein context (NP_001036167.1, residues 255-275): RNRRVMDVIS[Arg265His]SQLYLDDLFS

ClinVar aggregate classification (germline): Uncertain significance. Review status: criteria provided, multiple submitters, no conflicts (2 of 4 stars). 7 submissions from 7 submitters: Uncertain significance (7). Last evaluated 2025-12-02.

Conditions:
Inborn genetic diseases. Identifiers: MedGen C0950123, MeSH D030342.
Autosomal recessive nonsyndromic hearing loss 59. Identifiers: Orphanet 90636, MedGen C1857744, MONDO:0012445, OMIM 610220.

Allele frequency attached by ClinVar (database versions not stated): 1000 Genomes Project 30x 0.00016; gnomAD 0.00016 and 0.00018; TOPMed 0.00022; gnomAD exomes 0.00026; ExAC 0.00036; ESP Exome Variant Server 0.00075.
gnomAD v4.1: 535 of 1,613,722 alleles (0.033%); highest among the groups gnomAD compares: Middle Eastern, 0.066%; 1 homozygote.

Submissions (7):

GeneDx
Classification: Uncertain significance. Last evaluated: 2025-12-02. Review status: criteria provided, single submitter. Criteria: GeneDx Variant Classification Process June 2021. Collection method: clinical testing. Allele origin: germline.
Comment: In silico analysis suggests that this missense variant does not alter protein structure/function; Has not been previously published as pathogenic or benign to our knowledge

Blueprint Genetics
Classification: Uncertain significance. Last evaluated: 2024-09-06. Review status: criteria provided, single submitter. Criteria: ACMG Guidelines, 2015. Collection method: clinical testing. Allele origin: germline.

Mayo Clinic Laboratories, Mayo Clinic
Classification: Uncertain significance. Last evaluated: 2022-12-06. Review status: criteria provided, single submitter. Criteria: ACMG Guidelines, 2015. Collection method: clinical testing. Allele origin: germline. Observed: 1 variant allele.
Comment: BP4, PM2_supporting

Labcorp Genetics (formerly Invitae), Labcorp
Classification: Uncertain significance. Last evaluated: 2022-04-17. Review status: criteria provided, single submitter. Criteria: Invitae Variant Classification Sherloc (09022015). Collection method: clinical testing. Allele origin: germline.
Comment: This sequence change replaces arginine, which is basic and polar, with histidine, which is basic and polar, at codon 265 of the DFNB59 protein (p.Arg265His). This variant is present in population databases (rs199841343, gnomAD 0.03%). This variant has not been reported in the literature in individuals affected with DFNB59-related conditions. ClinVar contains an entry for this variant (Variation ID: 288934). Algorithms developed to predict the effect of missense changes on protein structure and function output the following: SIFT: "Tolerated"; PolyPhen-2: "Benign"; Align-GVGD: "Class C0". The histidine amino acid residue is found in multiple mammalian species, which suggests that this missense change does not adversely affect protein function. In summary, the available evidence is currently insufficient to determine the role of this variant in disease. Therefore, it has been classified as a Variant of Uncertain Significance.

Ambry Genetics
Classification: Uncertain significance for Inborn genetic diseases. Last evaluated: 2021-07-27. Review status: criteria provided, single submitter. Criteria: Ambry Variant Classification Scheme 2023. Collection method: clinical testing. Allele origin: germline.

Fulgent Genetics
Classification: Uncertain significance for Autosomal recessive nonsyndromic hearing loss 59. Last evaluated: 2018-10-31. Review status: criteria provided, single submitter. Criteria: ACMG Guidelines, 2015. Collection method: clinical testing. Allele origin: unknown.

Eurofins Ntd Llc (ga)
Classification: Uncertain significance. Last evaluated: 2016-07-13. Review status: criteria provided, single submitter. Criteria: EGL Classification Definitions 2015. Collection method: clinical testing. Allele origin: germline. Observed: 1 variant allele, 1 heterozygote.